The following is an entry in ClinVar:

ClinVar aggregate classification (germline): Likely benign. Review status: criteria provided, multiple submitters, no conflicts (2 of 4 stars). 5 submissions from 5 submitters: Likely benign (5). Last evaluated 2026-03-24.

Conditions:
LMNA-related disorder. Also called: LMNA-related disorders; LMNA-related condition; LMNA-related disease. Identifiers: MedGen CN380145.
Cardiovascular phenotype. Identifiers: MedGen CN230736.
Charcot-Marie-Tooth disease type 2. Also called: Charcot-Marie-Tooth type 2. Identifiers: Orphanet 64746, MedGen C0270914, MONDO:0018993.
Cardiomyopathy (CMYO). Also called: Cardiomyopathies. Identifiers: Orphanet 167848, MedGen C0878544, MONDO:0004994, HP:0001638. Inheritance: Various modes of inheritance.

Allele frequency attached by ClinVar (database versions not stated): ExAC 0.00004.
gnomAD v4.1: 21 of 1,611,730 alleles (0.0013%); highest among the groups gnomAD compares: East Asian, 0.0022%; no homozygotes.

Submissions (5):

PreventionGenetics, part of Exact Sciences
Classification: Likely benign for LMNA-related condition. Last evaluated: 2026-03-24. Review status: criteria provided, single submitter. Criteria: ACMG Guidelines, 2015. Collection method: clinical testing. Allele origin: germline.
Comment: This variant is classified as likely benign based on ACMG/AMP sequence variant interpretation guidelines (Richards et al. 2015 PMID: 25741868, with internal and published modifications).

Labcorp Genetics (formerly Invitae), Labcorp
Classification: Likely benign for Charcot-Marie-Tooth disease type 2. Last evaluated: 2025-04-08. Review status: criteria provided, single submitter. Criteria: Invitae Variant Classification Sherloc (09022015). Collection method: clinical testing. Allele origin: germline.

Ambry Genetics
Classification: Likely benign for Cardiovascular phenotype. Last evaluated: 2019-07-11. Review status: criteria provided, single submitter. Criteria: Ambry Variant Classification Scheme 2023. Collection method: clinical testing. Allele origin: germline.

Color Diagnostics, LLC DBA Color Health
Classification: Likely benign for Cardiomyopathy. Last evaluated: 2019-04-14. Review status: criteria provided, single submitter. Criteria: ACMG Guidelines, 2015. Collection method: clinical testing. Allele origin: germline.

GeneDx
Classification: Likely benign. Last evaluated: 2016-10-12. Review status: criteria provided, single submitter. Criteria: GeneDx Variant Classification (06012015). Collection method: clinical testing. Allele origin: germline. Affected: yes.
Comment: This variant is considered likely benign or benign based on one or more of the following criteria: it is a conservative change, it occurs at a poorly conserved position in the protein, it is predicted to be benign by multiple in silico algorithms, and/or has population frequency not consistent with disease.

NM_170707.4(LMNA):c.1317C>T (p.Arg439=)

Gene: LMNA (lamin A/C; plus strand). Cytogenetic location: 1q22.
Variant type: single nucleotide variant.
Coding change: c.1317C>T on transcript NM_170707.4 (MANE Select); coding-DNA position 1317, C replaced by T.
Protein change: p.Arg439=; no amino-acid change (arginine 439 retained).
Molecular consequence: synonymous variant.
Genome position (GRCh38, 1-based): chr1:156,136,373, C>T. VCF-style: chr1-156136373-C-T. GRCh37 (hg19) VCF-style: chr1-156106164-C-T.
Other names: c.981C>T, p.Arg327= (NM_001257374.3); c.1074C>T, p.Arg358= (NM_001282624.2); c.1317C>T, p.Arg439= (NM_001282625.2, NM_001282626.2, NM_005572.4 and 1 more transcripts).
Identifiers: ClinVar variation 389902 (VCV000389902.16), dbSNP rs374804871, ClinGen allele CA049853.